The following is an entry in ClinVar:

ClinVar aggregate classification (germline): Uncertain significance. Review status: criteria provided, multiple submitters, no conflicts (2 of 4 stars). 3 submissions from 3 submitters: Uncertain significance (3). Last evaluated 2025-03-25.

Conditions:
Inborn genetic diseases. Identifiers: MedGen C0950123, MeSH D030342.

Allele frequency attached by ClinVar (database versions not stated): ExAC 0.00001; gnomAD 0.00001; gnomAD exomes 0.00002 and 0.00007; TOPMed 0.00002; ESP Exome Variant Server 0.00008.
gnomAD v4.1: 102 of 1,613,834 alleles (0.0063%); highest among the groups gnomAD compares: Non-Finnish European, 0.0084%; no homozygotes.

Submissions (3):

GeneDx
Classification: Uncertain significance. Last evaluated: 2025-03-25. Review status: criteria provided, single submitter. Criteria: GeneDx Variant Classification Process June 2021. Collection method: clinical testing. Allele origin: germline. Affected: yes.
Comment: In silico analysis indicates that this missense variant does not alter protein structure/function; Has not been previously published as pathogenic or benign to our knowledge

Ambry Genetics
Classification: Uncertain significance for Inborn genetic diseases. Last evaluated: 2024-11-26. Review status: criteria provided, single submitter. Criteria: Ambry Variant Classification Scheme 2023. Collection method: clinical testing. Allele origin: germline.
Comment: The p.I1201M variant (also known as c.3603A>G), located in coding exon 1 of the SAMD9L gene, results from an A to G substitution at nucleotide position 3603. The isoleucine at codon 1201 is replaced by methionine, an amino acid with highly similar properties. This amino acid position is conserved. In addition, this alteration is predicted to be tolerated by in silico analysis. Based on the available evidence, the clinical significance of this variant remains unclear.

Labcorp Genetics (formerly Invitae), Labcorp
Classification: Uncertain significance. Last evaluated: 2021-02-18. Review status: criteria provided, single submitter. Criteria: Invitae Variant Classification Sherloc (09022015). Collection method: clinical testing. Allele origin: germline.
Comment: This sequence change replaces isoleucine with methionine at codon 1201 of the SAMD9L protein (p.Ile1201Met). The isoleucine residue is highly conserved and there is a small physicochemical difference between isoleucine and methionine. This variant is present in population databases (rs368290237, ExAC 0.001%). This variant has not been reported in the literature in individuals with SAMD9L-related conditions. Algorithms developed to predict the effect of missense changes on protein structure and function are either unavailable or do not agree on the potential impact of this missense change (SIFT: "Not Available"; PolyPhen-2: "Probably Damaging"; Align-GVGD: "Not Available"). In summary, the available evidence is currently insufficient to determine the role of this variant in disease. Therefore, it has been classified as a Variant of Uncertain Significance.

NM_152703.5(SAMD9L):c.3603A>G (p.Ile1201Met)

Gene: SAMD9L (sterile alpha motif domain containing 9 like; minus strand). Cytogenetic location: 7q21.2.
Variant type: single nucleotide variant.
Coding change: c.3603A>G on transcript NM_152703.5 (MANE Select); coding-DNA position 3603, A replaced by G.
Protein change: p.Ile1201Met; replaces isoleucine 1201 with methionine.
Molecular consequence: missense variant.
Genome position (GRCh38, 1-based): chr7:93,132,369, T>C on the plus strand (A>G on the coding strand, the complement: SAMD9L is on the minus strand). VCF-style: chr7-93132369-T-C. GRCh37 (hg19) VCF-style: chr7-92761682-T-C.
Other names: c.3603A>G (NM_152703.3, NM_152703.2); c.3603A>G, p.Ile1201Met (NM_001303496.3, NM_001303497.3, NM_001303498.3 and 5 more transcripts); short protein forms I1201M.
Identifiers: ClinVar variation 1001298 (VCV001001298.9), dbSNP rs368290237, ClinGen allele CA4343428.